The following is an entry in ClinVar:

NM_002693.3(POLG):c.470T>C (p.Leu157Pro)

Genes: POLGARF (POLG alternative reading frame; minus strand), POLG (DNA polymerase gamma, catalytic subunit; minus strand). Cytogenetic location: 15q26.1.
Variant type: single nucleotide variant.
Coding change: c.470T>C on transcript NM_002693.3 (MANE Select); coding-DNA position 470, T replaced by C.
Protein change: p.Leu157Pro; replaces leucine 157 with proline.
Molecular consequence: missense variant.
Genome position (GRCh38, 1-based): chr15:89,333,285, A>G on the plus strand (T>C on the coding strand, the complement: POLG is on the minus strand). VCF-style: chr15-89333285-A-G. GRCh37 (hg19) VCF-style: chr15-89876516-A-G.
Other names: c.470T>C, p.Leu157Pro (NM_001126131.2); short protein forms L157P.
Identifiers: ClinVar variation 619440 (VCV000619440.1), dbSNP rs1567194013, ClinGen allele CA10602290.

ClinVar aggregate classification (germline): Likely pathogenic (1 of 4 stars; one submission).

Conditions:
Progressive sclerosing poliodystrophy (MTDPS4A). Also called: Alpers-Huttenlocher Syndrome (AHS); Alpers Syndrome; ALPERS PROGRESSIVE INFANTILE POLIODYSTROPHY; Mitochondrial DNA depletion syndrome 4A (Alpers type); ALPERS DIFFUSE DEGENERATION OF CEREBRAL GRAY MATTER WITH HEPATIC CIRRHOSIS; Alpers-Huttenlocher Syndrome. Identifiers: Orphanet 726, MedGen C0205710, MONDO:0008758, OMIM 203700.

Submission:

Wong Mito Lab, Molecular and Human Genetics, Baylor College of Medicine
Classification: Likely pathogenic for Progressive sclerosing poliodystrophy. Last evaluated: 2018-10-01. Review status: criteria provided, single submitter. Criteria: ACMG Guidelines, 2015. Collection method: clinical testing. Allele origin: germline.
Comment: The NM_002693.2:c.470T>C (NP_002684.1:p.Leu157Pro) [GRCH38: NC_000015.10:g.89333285A>G] variant in POLG gene is interpretated to be a Likely Pathogenic based on ACMG guidelines (PMID: 25741868). This variant meets the following evidence codes reported in the ACMG-guideline. PM2:This variant is absent in key population databases. PM3:Detected in trans with a pathogenic variant for Mitochondrial DNA depletion syndrome 4A (Alpers type) which is a recessive disorder. PP1:This variant is co-segregated with Mitochondrial DNA depletion syndrome 4A (Alpers type) in multiple affected family members. PP2:This is a missense variant in POLG with a low rate of benign and high rate of pathogenic missense variations. PP3:Computational evidence/predictors indicate the variant has deleterious effect on POLG structure, function, or protein-protein interaction. PP4:Patient's phenotype or family history is highly specific for POLG. Based on the evidence criteria codes applied, the variant is suggested to be Likely Pathogenic.